The following is an entry in ClinVar:

ClinVar aggregate classification (germline): Uncertain significance (1 of 4 stars; one submission).

Allele frequency attached by ClinVar (database versions not stated): gnomAD exomes below 0.00001.
gnomAD v4.1: 1 of 1,613,802 alleles (0.000062%); highest among the groups gnomAD compares: Non-Finnish European, 0.000085%; no homozygotes.

Submission:

Labcorp Genetics (formerly Invitae), Labcorp
Classification: Uncertain significance. Last evaluated: 2023-05-16. Review status: criteria provided, single submitter. Criteria: Invitae Variant Classification Sherloc (09022015). Collection method: clinical testing. Allele origin: germline.
Comment: In summary, the available evidence is currently insufficient to determine the role of this variant in disease. Therefore, it has been classified as a Variant of Uncertain Significance. Advanced modeling of protein sequence and biophysical properties (such as structural, functional, and spatial information, amino acid conservation, physicochemical variation, residue mobility, and thermodynamic stability) performed at Invitae indicates that this missense variant is not expected to disrupt CTNNB1 protein function. This variant has not been reported in the literature in individuals affected with CTNNB1-related conditions. This variant is not present in population databases (gnomAD no frequency). This sequence change replaces threonine, which is neutral and polar, with isoleucine, which is neutral and non-polar, at codon 75 of the CTNNB1 protein (p.Thr75Ile).

NM_001904.4(CTNNB1):c.224C>T (p.Thr75Ile)

Genes: CTNNB1 (catenin beta 1; plus strand), LOC126806658 (BRD4-independent group 4 enhancer GRCh37_chr3:41265899-41267098; plus strand). Cytogenetic location: 3p22.1.
Variant type: single nucleotide variant.
Coding change: c.224C>T on transcript NM_001904.4 (MANE Select); coding-DNA position 224, C replaced by T.
Protein change: p.Thr75Ile; replaces threonine 75 with isoleucine.
Molecular consequence: missense variant.
Genome position (GRCh38, 1-based): chr3:41,224,736, C>T. VCF-style: chr3-41224736-C-T. GRCh37 (hg19) VCF-style: chr3-41266227-C-T.
Other names: c.224C>T, p.Thr75Ile (NM_001098209.2, NM_001098210.2); c.203C>T, p.Thr68Ile (NM_001330729.2); short protein forms T75I, T68I.
Identifiers: ClinVar variation 2865068 (VCV002865068.3), dbSNP rs2125618286, ClinGen allele CA352228804.
Genomic context (GRCh38, chr3:41,224,736, plus strand): 5'-AGGATGTGGATACCTCCCAAGTCCTGTATGAGTGGGAACAGGGATTTTCTCAGTCCTTCA[C>T]TCAAGAACAAGTAGCTGGTAAGAGTATTATTTTTCATTGCCTTACTGAAAGTCAGAATGC-3'
Protein context (NP_001895.1, residues 65-85): EWEQGFSQSF[Thr75Ile]QEQVADIDGQ